The following is an entry in ClinVar:

ClinVar aggregate classification (germline): Uncertain significance. Review status: criteria provided, multiple submitters, no conflicts (2 of 4 stars). 2 submissions from 2 submitters: Uncertain significance (2). Last evaluated 2024-11-12.

Conditions:
Inborn genetic diseases. Identifiers: MedGen C0950123, MeSH D030342.

Allele frequency attached by ClinVar (database versions not stated): gnomAD exomes below 0.00001; ExAC 0.00001; TOPMed 0.00002; gnomAD 0.00003; 1000 Genomes Project 30x 0.00016; 1000 Genomes Project 0.00020.
gnomAD v4.1: 6 of 1,613,812 alleles (0.00037%); highest among the groups gnomAD compares: African/African-American, 0.008%; no homozygotes.

Submissions (2):

Ambry Genetics
Classification: Uncertain significance for Inborn genetic diseases. Last evaluated: 2024-11-12. Review status: criteria provided, single submitter. Criteria: Ambry Variant Classification Scheme 2023. Collection method: clinical testing. Allele origin: germline.

Labcorp Genetics (formerly Invitae), Labcorp
Classification: Uncertain significance. Last evaluated: 2022-02-17. Review status: criteria provided, single submitter. Criteria: Invitae Variant Classification Sherloc (09022015). Collection method: clinical testing. Allele origin: germline.
Comment: This sequence change replaces proline, which is neutral and non-polar, with alanine, which is neutral and non-polar, at codon 2699 of the PCLO protein (p.Pro2699Ala). This variant is present in population databases (rs551639501, gnomAD 0.008%). This variant has not been reported in the literature in individuals affected with PCLO-related conditions. Algorithms developed to predict the effect of missense changes on protein structure and function are either unavailable or do not agree on the potential impact of this missense change (SIFT: "Tolerated"; PolyPhen-2: "Not Available"; Align-GVGD: "Class C0"). Algorithms developed to predict the effect of sequence changes on RNA splicing suggest that this variant is not likely to affect RNA splicing. In summary, the available evidence is currently insufficient to determine the role of this variant in disease. Therefore, it has been classified as a Variant of Uncertain Significance.

NM_033026.6(PCLO):c.8095C>G (p.Pro2699Ala)

Gene: PCLO (piccolo presynaptic cytomatrix protein; minus strand). Cytogenetic location: 7q21.11.
Variant type: single nucleotide variant.
Coding change: c.8095C>G on transcript NM_033026.6 (MANE Select); coding-DNA position 8095, C replaced by G.
Protein change: p.Pro2699Ala; replaces proline 2699 with alanine.
Molecular consequence: missense variant.
Genome position (GRCh38, 1-based): chr7:82,952,858, G>C on the plus strand (C>G on the coding strand, the complement: PCLO is on the minus strand). VCF-style: chr7-82952858-G-C. GRCh37 (hg19) VCF-style: chr7-82582174-G-C.
Other names: c.8095C>G, p.Pro2699Ala (NM_014510.3); c.8095C>G (NM_033026.5); short protein forms P2699A.
Identifiers: ClinVar variation 1463864 (VCV001463864.4), dbSNP rs551639501, ClinGen allele CA4320184.